The following is an entry in ClinVar:

ClinVar aggregate classification (germline): Uncertain significance (1 of 4 stars; one submission).

Allele frequency attached by ClinVar (database versions not stated): TOPMed below 0.00001; ExAC 0.00001; gnomAD exomes 0.00001; gnomAD 0.00001.

Submission:

Labcorp Genetics (formerly Invitae), Labcorp
Classification: Uncertain significance. Last evaluated: 2023-08-04. Review status: criteria provided, single submitter. Criteria: Invitae Variant Classification Sherloc (09022015). Collection method: clinical testing. Allele origin: germline.
Comment: In summary, the available evidence is currently insufficient to determine the role of this variant in disease. Therefore, it has been classified as a Variant of Uncertain Significance. An algorithm developed to predict the effect of missense changes on protein structure and function (PolyPhen-2) suggests that this variant is likely to be disruptive. ClinVar contains an entry for this variant (Variation ID: 1361690). This variant has not been reported in the literature in individuals affected with ADAMTS17-related conditions. This variant is present in population databases (rs756718930, gnomAD 0.005%). This sequence change replaces valine, which is neutral and non-polar, with glycine, which is neutral and non-polar, at codon 238 of the ADAMTS17 protein (p.Val238Gly).

NM_139057.4(ADAMTS17):c.713T>G (p.Val238Gly)

Gene: ADAMTS17 (ADAM metallopeptidase with thrombospondin type 1 motif 17; minus strand). Cytogenetic location: 15q26.3.
Variant type: single nucleotide variant.
Coding change: c.713T>G on transcript NM_139057.4 (MANE Select); coding-DNA position 713, T replaced by G.
Protein change: p.Val238Gly; replaces valine 238 with glycine.
Molecular consequence: missense variant.
Genome position (GRCh38, 1-based): chr15:100,281,305, A>C on the plus strand (T>G on the coding strand, the complement: ADAMTS17 is on the minus strand). VCF-style: chr15-100281305-A-C. GRCh37 (hg19) VCF-style: chr15-100821510-A-C.
Other names: short protein forms V238G.
Identifiers: ClinVar variation 1361690 (VCV001361690.7), dbSNP rs756718930, ClinGen allele CA7758603.